The following is an entry in ClinVar:

NM_001374736.1(DST):c.17803C>A (p.Leu5935Met)

Gene: DST (dystonin; minus strand). Cytogenetic location: 6p12.1.
Variant type: single nucleotide variant.
Coding change: c.17803C>A on transcript NM_001374736.1 (MANE Select); coding-DNA position 17803, C replaced by A.
Protein change: p.Leu5935Met; replaces leucine 5935 with methionine.
Molecular consequence: missense variant.
Genome position (GRCh38, 1-based): chr6:56,527,612, G>T on the plus strand (C>A on the coding strand, the complement: DST is on the minus strand). VCF-style: chr6-56527612-G-T. GRCh37 (hg19) VCF-style: chr6-56392410-G-T.
Other names: c.11446C>A, p.Leu3816Met (NM_001144769.5); c.11032C>A, p.Leu3678Met (NM_001144770.2); c.17803C>A, p.Leu5935Met (NM_001374722.1); c.16843C>A, p.Leu5615Met (NM_001374729.1); c.10585C>A, p.Leu3529Met (NM_001374730.1); c.17830C>A, p.Leu5944Met (NM_001374734.1); c.10912C>A, p.Leu3638Met (NM_001386100.1, NM_183380.4); c.9934C>A, p.Leu3312Met (NM_015548.5); short protein forms L3638M, L5935M, L3312M, L3529M, L3816M, L5944M, L3678M, L5615M.
Identifiers: ClinVar variation 1950424 (VCV001950424.5), dbSNP rs2534787935, ClinGen allele CA364506294.
Genomic context (GRCh38, chr6:56,527,612, plus strand): 5'-AAAGTAATTCCACCTCCACTTTGTCCAGCCAGGTACACAGCTCTTCGTGTGTGGAGTGCA[G>T]CCGCCTTGCAAGCTGCAGCGCCTGTTCCAGAGTCTTGGCCACATCAGTGCTCAGTTTAGT-3'
Protein context (NP_001361665.1, residues 5925-5945): LEQALQLARR[Leu5935Met]HSTHEELCTW

ClinVar aggregate classification (germline): Uncertain significance (1 of 4 stars; one submission).

Conditions:
Hereditary sensory and autonomic neuropathy type 6. Also called: Neuropathy, hereditary sensory and autonomic, type VI; HSAN VI. Identifiers: Orphanet 314381, MedGen C3539003, MONDO:0013839, OMIM 614653.
Epidermolysis bullosa simplex 3, localized or generalized intermediate, with BP230 deficiency (EBS3). Also called: Epidermolysis bullosa simplex due to BP230 deficiency; Epidermolysis bullosa simplex, autosomal recessive 2. Identifiers: Orphanet 412181, MedGen C3809470, MONDO:0014180, OMIM 615425.

Submission:

Labcorp Genetics (formerly Invitae), Labcorp
Classification: Uncertain significance for Epidermolysis bullosa simplex 3, localized or generalized intermediate, with BP230 deficiency; Hereditary sensory and autonomic neuropathy type 6. Last evaluated: 2022-04-18. Review status: criteria provided, single submitter. Criteria: Invitae Variant Classification Sherloc (09022015). Collection method: clinical testing. Allele origin: germline.
Comment: This variant has not been reported in the literature in individuals affected with DST-related conditions. The DST gene has multiple clinically relevant transcripts. This variant occurs in alternate transcript NM_015548.4, and corresponds to NM_001723.5:c.*87905C>A in the primary transcript. This sequence change replaces leucine, which is neutral and non-polar, with methionine, which is neutral and non-polar, at codon 3312 of the DST protein (p.Leu3312Met). This variant is not present in population databases (gnomAD no frequency). Experimental studies and prediction algorithms are not available or were not evaluated, and the functional significance of this variant is currently unknown. In summary, the available evidence is currently insufficient to determine the role of this variant in disease. Therefore, it has been classified as a Variant of Uncertain Significance.